The following is an entry in ClinVar:

NM_058179.4(PSAT1):c.949G>T (p.Glu317Ter)

Gene: PSAT1 (phosphoserine aminotransferase 1; plus strand). Cytogenetic location: 9q21.2.
Variant type: single nucleotide variant.
Coding change: c.949G>T on transcript NM_058179.4 (MANE Select); coding-DNA position 949, G replaced by T.
Protein change: p.Glu317Ter; replaces glutamic acid 317 with a stop codon.
Molecular consequence: nonsense. On other transcripts: intron variant (1).
Genome position (GRCh38, 1-based): chr9:78,328,130, G>T. VCF-style: chr9-78328130-G-T. GRCh37 (hg19) VCF-style: chr9-80943046-G-T.
Other names: c.870-851G>T (NM_021154.5); c.949G>T (NM_058179.3); short protein forms E317*.
Identifiers: ClinVar variation 2061942 (VCV002061942.5), dbSNP rs2489697040, ClinGen allele CA373861213.

ClinVar aggregate classification (germline): Pathogenic/Likely pathogenic. Review status: criteria provided, multiple submitters, no conflicts (2 of 4 stars). 2 submissions from 2 submitters: Pathogenic (1); Likely pathogenic (1). Last evaluated 2024-11-11.

Conditions:
PSAT1-related disorder. Also called: PSAT1-related condition; PSAT1-related disorders.
Neu-Laxova syndrome 2. Identifiers: Orphanet 2671, Orphanet 583602, MedGen C4015019, MONDO:0014466, OMIM 616038.

Submissions (2):

Labcorp Genetics (formerly Invitae), Labcorp
Classification: Pathogenic for Neu-Laxova syndrome 2. Last evaluated: 2024-11-11. Review status: criteria provided, single submitter. Criteria: Invitae Variant Classification Sherloc (09022015). Collection method: clinical testing. Allele origin: germline.
Comment: This sequence change creates a premature translational stop signal (p.Glu317*) in the PSAT1 gene. It is expected to result in an absent or disrupted protein product. Loss-of-function variants in PSAT1 are known to be pathogenic (PMID: 17436247, 25152457). This variant is not present in population databases (gnomAD no frequency). This variant has not been reported in the literature in individuals affected with PSAT1-related conditions. ClinVar contains an entry for this variant (Variation ID: 2061942). Algorithms developed to predict the effect of sequence changes on RNA splicing suggest that this variant may disrupt the consensus splice site. For these reasons, this variant has been classified as Pathogenic.

Women's Health and Genetics/Laboratory Corporation of America, LabCorp
Classification: Likely pathogenic for PSAT1-Related Disorders. Last evaluated: 2023-04-20. Review status: criteria provided, single submitter. Criteria: LabCorp Variant Classification Summary - May 2015. Collection method: clinical testing. Allele origin: germline.
Comment: Variant summary: PSAT1 c.949G>T (p.Glu317X) results in a premature termination codon, predicted to cause a truncation of the encoded protein or absence of the protein due to nonsense mediated decay, which are commonly known mechanisms for disease. The variant was absent in 251152 control chromosomes. To our knowledge, no occurrence of c.949G>T in individuals affected with PSAT1-Related Disorders and no experimental evidence demonstrating its impact on protein function have been reported. One clinical diagnostic laboratory has submitted clinical-significance assessments for this variant to ClinVar after 2014 without evidence for independent evaluation. One laboratory classified the variant as pathogenic. Based on the evidence outlined above, the variant was classified as likely pathogenic.

Literature cited by the submitters: PubMed 17436247 (cited by Labcorp Genetics (formerly Invitae), Labcorp); PubMed 25152457 (cited by Labcorp Genetics (formerly Invitae), Labcorp).